The following is an entry in ClinVar:

NM_006269.2(RP1):c.2281A>C (p.Lys761Gln)

Gene: RP1 (RP1 axonemal microtubule associated; plus strand). Cytogenetic location: 8q12.1.
Variant type: single nucleotide variant.
Coding change: c.2281A>C on transcript NM_006269.2 (MANE Select); coding-DNA position 2281, A replaced by C.
Protein change: p.Lys761Gln; replaces lysine 761 with glutamine.
Molecular consequence: missense variant. On other transcripts: intron variant (1).
Genome position (GRCh38, 1-based): chr8:54,626,163, A>C. VCF-style: chr8-54626163-A-C. GRCh37 (hg19) VCF-style: chr8-55538723-A-C.
Other names: c.787+3875A>C (NM_001375654.1); short protein forms K761Q.
Identifiers: ClinVar variation 1716069 (VCV001716069.5), dbSNP rs1394743383, ClinGen allele CA370993298.

ClinVar aggregate classification (germline): Uncertain significance (1 of 4 stars; one submission).

Allele frequency attached by ClinVar (database versions not stated): TOPMed below 0.00001; gnomAD 0.00001.
gnomAD v4.1: 1 of 1,612,286 alleles (0.000062%); highest among the groups gnomAD compares: African/African-American, 0.0013%; no homozygotes.

Submission:

Labcorp Genetics (formerly Invitae), Labcorp
Classification: Uncertain significance. Last evaluated: 2022-08-10. Review status: criteria provided, single submitter. Criteria: Invitae Variant Classification Sherloc (09022015). Collection method: clinical testing. Allele origin: germline.
Comment: In summary, the available evidence is currently insufficient to determine the role of this variant in disease. Therefore, it has been classified as a Variant of Uncertain Significance. Algorithms developed to predict the effect of missense changes on protein structure and function are either unavailable or do not agree on the potential impact of this missense change (SIFT: "Deleterious"; PolyPhen-2: "Possibly Damaging"; Align-GVGD: "Class C0"). This variant has not been reported in the literature in individuals affected with RP1-related conditions. This variant is present in population databases (no rsID available, gnomAD 0.01%). This sequence change replaces lysine, which is basic and polar, with glutamine, which is neutral and polar, at codon 761 of the RP1 protein (p.Lys761Gln).